The following is an entry in ClinVar:

NM_176822.4(NLRP14):c.8A>G (p.Asp3Gly)

Gene: NLRP14 (NLR family pyrin domain containing 14; plus strand). Cytogenetic location: 11p15.4.
Variant type: single nucleotide variant.
Coding change: c.8A>G on transcript NM_176822.4 (MANE Select); coding-DNA position 8, A replaced by G.
Protein change: p.Asp3Gly; replaces aspartic acid 3 with glycine.
Molecular consequence: missense variant.
Genome position (GRCh38, 1-based): chr11:7,038,594, A>G. VCF-style: chr11-7038594-A-G. GRCh37 (hg19) VCF-style: chr11-7059825-A-G.
Other names: short protein forms D3G.
Identifiers: ClinVar variation 3053270 (VCV003053270.2), dbSNP rs150458659, ClinGen allele CA5864455.
Genomic context (GRCh38, chr11:7,038,594, plus strand): 5'-TGTGCTTTTGGTTATTTTTTTTCCCCCCACAGAGGCCTGAATATTTGGACAAGATGGCAG[A>G]TTCATCATCATCTTCTTTCTTTCCTGATTTTGGGCTGCTATTGTATTTGGAGGAGCTAAA-3'
Protein context (NP_789792.1, residues 1-13): MA[Asp3Gly]SSSSSFFPDF

ClinVar aggregate classification (germline): Benign (0 of 4 stars; one submission).

Conditions:
NLRP14-related disorder. Also called: NLRP14-related condition.

Allele frequency attached by ClinVar (database versions not stated): gnomAD exomes 0.00052; ExAC 0.00199; 1000 Genomes Project 0.00479; 1000 Genomes Project 30x 0.00484; gnomAD 0.00565; TOPMed 0.00648; ESP Exome Variant Server 0.00708.
gnomAD v4.1: 1,642 of 1,613,648 alleles (0.1%); highest among the groups gnomAD compares: African/African-American, 1.9%; 10 homozygotes.

Submission:

PreventionGenetics, part of Exact Sciences
Classification: Benign for NLRP14-related condition. Last evaluated: 2019-02-24. Review status: no assertion criteria provided. Collection method: clinical testing. Allele origin: germline.
Comment: This variant is classified as benign based on ACMG/AMP sequence variant interpretation guidelines (Richards et al. 2015 PMID: 25741868, with internal and published modifications).